The following is an entry in ClinVar:

ClinVar aggregate classification (germline): Uncertain significance. Review status: criteria provided, multiple submitters, no conflicts (2 of 4 stars). 2 submissions from 2 submitters: Uncertain significance (2). Last evaluated 2026-02-13.

Submissions (2):

GeneDx
Classification: Uncertain significance. Last evaluated: 2026-02-13. Review status: criteria provided, single submitter. Criteria: GeneDx Variant Classification Process June 2021. Collection method: clinical testing. Allele origin: germline.
Comment: In silico analysis supports that this missense variant has a deleterious effect on protein structure/function; Has not been previously published as pathogenic or benign to our knowledge; This variant is associated with the following publications: (PMID: 31051112)

Revvity Omics, Revvity
Classification: Uncertain significance. Last evaluated: 2024-05-31. Review status: criteria provided, single submitter. Criteria: ACMG Guidelines, 2015. Collection method: clinical testing. Allele origin: germline.

NM_006796.3(AFG3L2):c.2036G>A (p.Arg679His)

Gene: AFG3L2 (AFG3 like matrix AAA peptidase subunit 2; minus strand). Cytogenetic location: 18p11.21.
Variant type: single nucleotide variant.
Coding change: c.2036G>A on transcript NM_006796.3 (MANE Select); coding-DNA position 2036, G replaced by A.
Protein change: p.Arg679His; replaces arginine 679 with histidine.
Molecular consequence: missense variant.
Genome position (GRCh38, 1-based): chr18:12,337,480, C>T on the plus strand (G>A on the coding strand, the complement: AFG3L2 is on the minus strand). VCF-style: chr18-12337480-C-T. GRCh37 (hg19) VCF-style: chr18-12337479-C-T.
Other names: short protein forms R679H.
Identifiers: ClinVar variation 4077853 (VCV004077853.2).
Genomic context (GRCh38, chr18:12,337,480, plus strand): 5'-TCATCTATCAATCTTGCAGTGGCTTCACTGTAAGGTTTCTCCAATACCATGTCCCCCTGA[C>T]GTGGGAGGTCAAAGGAGATTTGCCCAACCTTTTCATTCATGCCAAACTGAACAATCTGAA-3'
Protein context (NP_006787.2, residues 669-689): KVGQISFDLP[Arg679His]QGDMVLEKPY